The following is an entry in ClinVar:

ClinVar aggregate classification (germline): Uncertain significance. Review status: criteria provided, single submitter (1 of 4 stars). 2 submissions from 2 submitters: Uncertain significance (1). 1 of the submissions does not count toward it. Last evaluated 2022-04-09.

Conditions:
Glutaric acidemia type 2A.
Multiple acyl-CoA dehydrogenase deficiency (MADD). Also called: ETHYLMALONIC-ADIPICACIDURIA; GA II; Glutaric aciduria, type 2; Glutaric acidemia type II; GA 2; Glutaric Acidemia type 2. Identifiers: Orphanet 26791, MedGen C0268596, MONDO:0009282, OMIM 231680.

Allele frequency attached by ClinVar (database versions not stated): gnomAD exomes 0.00001; ExAC 0.00002.
gnomAD v4.1: 4 of 1,611,772 alleles (0.00025%); highest among the groups gnomAD compares: Admixed American, 0.0067%; no homozygotes.

Submissions (2):

Labcorp Genetics (formerly Invitae), Labcorp
Classification: Uncertain significance for Multiple acyl-CoA dehydrogenase deficiency. Last evaluated: 2022-04-09. Review status: criteria provided, single submitter. Criteria: Invitae Variant Classification Sherloc (09022015). Collection method: clinical testing. Allele origin: germline.
Comment: This sequence change replaces proline, which is neutral and non-polar, with leucine, which is neutral and non-polar, at codon 306 of the ETFA protein (p.Pro306Leu). This variant is present in population databases (rs768924673, gnomAD 0.01%). This variant has not been reported in the literature in individuals affected with ETFA-related conditions. Algorithms developed to predict the effect of missense changes on protein structure and function (SIFT, PolyPhen-2, Align-GVGD) all suggest that this variant is likely to be disruptive. In summary, the available evidence is currently insufficient to determine the role of this variant in disease. Therefore, it has been classified as a Variant of Uncertain Significance.

Natera, Inc.
Classification: Uncertain significance for Glutaric acidemia type 2A. Last evaluated: 2025-02-03. Review status: no assertion criteria provided. Collection method: clinical testing. Allele origin: germline. Not counted in ClinVar's aggregate classification.

NM_000126.4(ETFA):c.917C>T (p.Pro306Leu)

Gene: ETFA (electron transfer flavoprotein subunit alpha; minus strand). Cytogenetic location: 15q24.2.
Variant type: single nucleotide variant.
Coding change: c.917C>T on transcript NM_000126.4 (MANE Select); coding-DNA position 917, C replaced by T.
Protein change: p.Pro306Leu; replaces proline 306 with leucine.
Molecular consequence: missense variant.
Genome position (GRCh38, 1-based): chr15:76,225,895, G>A on the plus strand (C>T on the coding strand, the complement: ETFA is on the minus strand). VCF-style: chr15-76225895-G-A. GRCh37 (hg19) VCF-style: chr15-76518236-G-A.
Other names: c.770C>T, p.Pro257Leu (NM_001127716.2); c.917C>T (NM_000126.3); short protein forms P306L, P257L.
Identifiers: ClinVar variation 1982992 (VCV001982992.2), dbSNP rs768924673, ClinGen allele CA7673558.